The following is an entry in ClinVar:

NM_000531.6(OTC):c.937G>A (p.Asp313Asn)

Gene: OTC (ornithine transcarbamylase; plus strand). Cytogenetic location: Xp11.4.
Variant type: single nucleotide variant.
Coding change: c.937G>A on transcript NM_000531.6 (MANE Select); coding-DNA position 937, G replaced by A.
Protein change: p.Asp313Asn; replaces aspartic acid 313 with asparagine.
Molecular consequence: missense variant.
Genome position (GRCh38, 1-based): chrX:38,411,931, G>A. VCF-style: chrX-38411931-G-A. GRCh37 (hg19) VCF-style: chrX-38271184-G-A.
Other names: c.937G>A, p.Asp313Asn (NM_001407092.1); short protein forms D313N.
Identifiers: ClinVar variation 4998416 (VCV004998416.1).

ClinVar aggregate classification (germline): Uncertain significance (1 of 4 stars; one submission).

Conditions:
OTC-related disorder. Also called: OTC-related condition.

Submission:

PreventionGenetics, part of Exact Sciences
Classification: Uncertain significance for OTC-related condition. Last evaluated: 2025-01-18. Review status: criteria provided, single submitter. Criteria: ACMG Guidelines, 2015. Collection method: clinical testing. Allele origin: germline.
Comment: The OTC c.937G>A variant is predicted to result in the amino acid substitution p.Asp313Asn. To our knowledge, this variant has not been reported in the literature. This variant is reported in 0.0092% of alleles in individuals of European (Non-Finnish) descent in gnomAD. At this time, the clinical significance of this variant is uncertain due to the absence of conclusive functional and genetic evidence.